The following is an entry in ClinVar:

NM_016222.4(DDX41):c.533C>A (p.Pro178Gln)

Gene: DDX41 (DEAD-box helicase 41; minus strand). Cytogenetic location: 5q35.3.
Variant type: single nucleotide variant.
Coding change: c.533C>A on transcript NM_016222.4 (MANE Select); coding-DNA position 533, C replaced by A.
Protein change: p.Pro178Gln; replaces proline 178 with glutamine.
Molecular consequence: missense variant.
Genome position (GRCh38, 1-based): chr5:177,515,723, G>T on the plus strand (C>A on the coding strand, the complement: DDX41 is on the minus strand). VCF-style: chr5-177515723-G-T. GRCh37 (hg19) VCF-style: chr5-176942724-G-T.
Other names: c.155C>A, p.Pro52Gln (NM_001321732.2, NM_001321830.2); short protein forms P52Q, P178Q.
Identifiers: ClinVar variation 4238796 (VCV004238796.1).
Genomic context (GRCh38, chr5:177,515,723, plus strand): 5'-TCTCTCTCCAGCCCCTGACTACCTGCAGGAAACTTCATTTCCTTGAAGCTCTTGATGGGT[G>T]GTGGGATACCGTCTCCCTCCACCAGGATGTGGTATTTCTTCCGCACGCGCTCATGTCGCT-3'
Protein context (NP_057306.2, residues 168-188): HILVEGDGIP[Pro178Gln]PIKSFKEMKF

ClinVar aggregate classification (germline): Uncertain significance (1 of 4 stars; one submission).

Conditions:
Inborn genetic diseases. Identifiers: MedGen C0950123, MeSH D030342.

Submission:

Ambry Genetics
Classification: Uncertain significance for Inborn genetic diseases. Last evaluated: 2025-08-11. Review status: criteria provided, single submitter. Criteria: Ambry Variant Classification Scheme 2023. Collection method: clinical testing. Allele origin: germline.
Comment: The p.P178Q variant (also known as c.533C>A), located in coding exon 6 of the DDX41 gene, results from a C to A substitution at nucleotide position 533. The proline at codon 178 is replaced by glutamine, an amino acid with similar properties. This amino acid position is conserved. In addition, this alteration is predicted to be tolerated by in silico analysis. Based on the available evidence, the clinical significance of this variant remains unclear.